The following is an entry in ClinVar:

ClinVar aggregate classification (germline): Uncertain significance (1 of 4 stars; one submission).

Conditions:
MYPN-related disorder. Also called: MYPN-related condition.

Allele frequency attached by ClinVar (database versions not stated): gnomAD exomes below 0.00001.
gnomAD v4.1: 1 of 1,614,152 alleles (0.000062%); highest among the groups gnomAD compares: Non-Finnish European, 0.000085%; no homozygotes.

Submission:

PreventionGenetics, part of Exact Sciences
Classification: Uncertain significance for MYPN-related condition. Last evaluated: 2023-03-24. Review status: criteria provided, single submitter. Criteria: ACMG Guidelines, 2015. Collection method: clinical testing. Allele origin: germline.
Comment: The MYPN c.580G>A variant is predicted to result in the amino acid substitution p.Glu194Lys. To our knowledge, this variant has not been reported in the literature or in a large population database, indicating this variant is rare. At this time, the clinical significance of this variant is uncertain due to the absence of conclusive functional and genetic evidence.

NM_032578.4(MYPN):c.580G>A (p.Glu194Lys)

Gene: MYPN (myopalladin; plus strand). Cytogenetic location: 10q21.3.
Variant type: single nucleotide variant.
Coding change: c.580G>A on transcript NM_032578.4 (MANE Select); coding-DNA position 580, G replaced by A.
Protein change: p.Glu194Lys; replaces glutamic acid 194 with lysine.
Molecular consequence: missense variant. On other transcripts: 5 prime UTR variant (1), non-coding transcript variant (1).
Genome position (GRCh38, 1-based): chr10:68,122,018, G>A. VCF-style: chr10-68122018-G-A. GRCh37 (hg19) VCF-style: chr10-69881775-G-A.
Other names: c.580G>A, p.Glu194Lys (NM_001256267.2); c.-543G>A (NM_001256268.2); short protein forms E194K.
Identifiers: ClinVar variation 2636530 (VCV002636530.1), dbSNP rs1345948618, ClinGen allele CA377104675.